The following is an entry in ClinVar:

ClinVar aggregate classification (germline): Conflicting classifications of pathogenicity. Review status: criteria provided, conflicting classifications (1 of 4 stars). 3 submissions from 3 submitters: Uncertain significance (1); Likely benign (2). Last evaluated 2025-10-23.

Conditions:
Hereditary cancer-predisposing syndrome. Also called: Neoplastic Syndromes, Hereditary; Tumor predisposition; Hereditary neoplastic syndrome; Hereditary Cancer Syndrome. Identifiers: Orphanet 140162, MedGen C0027672, MeSH D009386, MONDO:0015356.

Submissions (3):

Ambry Genetics
Classification: Likely benign for Hereditary cancer-predisposing syndrome. Last evaluated: 2025-10-23. Review status: criteria provided, single submitter. Criteria: Ambry Variant Classification Scheme 2023. Collection method: clinical testing. Allele origin: germline.

Color Diagnostics, LLC DBA Color Health
Classification: Uncertain significance for Hereditary cancer-predisposing syndrome. Last evaluated: 2023-12-05. Review status: criteria provided, single submitter. Criteria: ACMG Guidelines, 2015. Collection method: clinical testing. Allele origin: germline.
Comment: This missense variant replaces methionine with lysine at codon 2122 of the BRCA2 protein. Computational prediction suggests that this variant may not impact protein structure and function (internally defined REVEL score threshold <= 0.5, PMID: 27666373). To our knowledge, functional studies have not been reported for this variant. This variant has not been reported in individuals affected with BRCA2-related disorders in the literature. This variant has not been identified in the general population by the Genome Aggregation Database (gnomAD). The available evidence is insufficient to determine the role of this variant in disease conclusively. Therefore, this variant is classified as a Variant of Uncertain Significance.

University of Washington Department of Laboratory Medicine, University of Washington
Classification: Likely benign for Hereditary cancer-predisposing syndrome. Last evaluated: 2023-03-23. Review status: criteria provided, single submitter. Criteria: Dines et al. (Genet Med. 2020). Collection method: curation. Allele origin: germline.
Comment: Missense variant in a coldspot region where missense variants are very unlikely to be pathogenic (PMID:31911673).

BRCA2 exon 11 coldspot. Reclassification based on statistical prior probability.

NM_000059.4(BRCA2):c.6365T>A (p.Met2122Lys)

Gene: BRCA2 (BRCA2 DNA repair associated; plus strand). Cytogenetic location: 13q13.1.
Variant type: single nucleotide variant.
Coding change: c.6365T>A on transcript NM_000059.4 (MANE Select); coding-DNA position 6365, T replaced by A.
Protein change: p.Met2122Lys; replaces methionine 2122 with lysine.
Molecular consequence: missense variant.
Genome position (GRCh38, 1-based): chr13:32,340,720, T>A. VCF-style: chr13-32340720-T-A. GRCh37 (hg19) VCF-style: chr13-32914857-T-A.
Other names: short protein forms M2122K.
Identifiers: ClinVar variation 628799 (VCV000628799.11), dbSNP rs1566234419, ClinGen allele CA387789155.